The following is an entry in ClinVar:

ClinVar aggregate classification (germline): Likely benign (1 of 4 stars; one submission).

gnomAD v4.1: 279 of 1,598,230 alleles (0.017%); highest among the groups gnomAD compares: Non-Finnish European, 0.023%; 20 homozygotes.

Submission:

CeGaT Center for Human Genetics Tuebingen
Classification: Likely benign. Last evaluated: 2024-09-01. Review status: criteria provided, single submitter. Criteria: CeGaT Center For Human Genetics Tuebingen Variant Classification Criteria Version 2. Collection method: clinical testing. Allele origin: germline. Affected: yes. Observed: 1 variant allele.
Comment: PCDHA9: BP4, BS2

NM_031857.2(PCDHA9):c.2302G>T (p.Asp768Tyr)

Genes: PCDHA1 (protocadherin alpha 1; plus strand), PCDHA2 (protocadherin alpha 2; plus strand), PCDHA3 (protocadherin alpha 3; plus strand), PCDHA4 (protocadherin alpha 4; plus strand), PCDHA5 (protocadherin alpha 5; plus strand) and 5 more. Cytogenetic location: 5q31.3.
Variant type: single nucleotide variant.
Coding change: c.2302G>T on transcript NM_031857.2 (MANE Select); coding-DNA position 2302, G replaced by T.
Protein change: p.Asp768Tyr; replaces aspartic acid 768 with tyrosine.
Molecular consequence: missense variant. On other transcripts: intron variant (10).
Genome position (GRCh38, 1-based): chr5:140,850,797, G>T. VCF-style: chr5-140850797-G-T. GRCh37 (hg19) VCF-style: chr5-140230382-G-T.
Other names: c.2302G>T, p.Asp768Tyr (NM_014005.5); c.2394+62113G>T (NM_018900.4); c.1602+62905G>T (NM_031411.3); c.2388+53445G>T (NM_018905.3); c.2394+47206G>T (NM_018906.3); c.2385+41225G>T (NM_018907.4); c.2352+26670G>T (NM_018908.3); c.2394+20312G>T (NM_018909.4); and 3 more; short protein forms D768Y.
Identifiers: ClinVar variation 3388291 (VCV003388291.12).